The following is an entry in ClinVar:

ClinVar aggregate classification (germline): Uncertain significance (0 of 4 stars; one submission).

Conditions:
CENPF-related disorder. Also called: CENPF-related condition.

Submission:

PreventionGenetics, part of Exact Sciences
Classification: Uncertain significance for CENPF-related condition. Last evaluated: 2024-07-03. Review status: no assertion criteria provided. Collection method: clinical testing. Allele origin: germline.
Comment: The CENPF c.4712A>G variant is predicted to result in the amino acid substitution p.Glu1571Gly. To our knowledge, this variant has not been reported in the literature or in a large population database, indicating this variant is rare. At this time, the clinical significance of this variant is uncertain due to the absence of conclusive functional and genetic evidence.

NM_016343.4(CENPF):c.4712A>G (p.Glu1571Gly)

Gene: CENPF (centromere protein F; plus strand). Cytogenetic location: 1q41.
Variant type: single nucleotide variant.
Coding change: c.4712A>G on transcript NM_016343.4 (MANE Select); coding-DNA position 4712, A replaced by G.
Protein change: p.Glu1571Gly; replaces glutamic acid 1571 with glycine.
Molecular consequence: missense variant.
Genome position (GRCh38, 1-based): chr1:214,643,050, A>G. VCF-style: chr1-214643050-A-G. GRCh37 (hg19) VCF-style: chr1-214816393-A-G.
Other names: short protein forms E1571G.
Identifiers: ClinVar variation 3345792 (VCV003345792.1).